The following is an entry in ClinVar:

NM_001330260.2(SCN8A):c.5269G>A (p.Val1757Ile)

Gene: SCN8A (sodium voltage-gated channel alpha subunit 8; plus strand). Cytogenetic location: 12q13.13.
Variant type: single nucleotide variant.
Coding change: c.5269G>A on transcript NM_001330260.2 (MANE Select); coding-DNA position 5269, G replaced by A.
Protein change: p.Val1757Ile; replaces valine 1757 with isoleucine.
Molecular consequence: missense variant.
Genome position (GRCh38, 1-based): chr12:51,806,755, G>A. VCF-style: chr12-51806755-G-A. GRCh37 (hg19) VCF-style: chr12-52200539-G-A.
Other names: c.5146G>A, p.Val1716Ile (NM_001177984.3, NM_001369788.1); c.5269G>A, p.Val1757Ile (NM_014191.4); short protein forms V1757I, V1716I.
Identifiers: ClinVar variation 461346 (VCV000461346.9), dbSNP rs1555231008, ClinGen allele CA384885087.

ClinVar aggregate classification (germline): Uncertain significance (1 of 4 stars; one submission).

Conditions:
Early-infantile DEE. Also called: Early infantile epileptic encephalopathy; Ohtahara syndrome; Early infantile epileptic encephalopathy with suppression bursts. Identifiers: Orphanet 1934, MedGen C0393706, MONDO:0800491.

Submission:

Labcorp Genetics (formerly Invitae), Labcorp
Classification: Uncertain significance for Early-infantile DEE. Last evaluated: 2024-04-22. Review status: criteria provided, single submitter. Criteria: Invitae Variant Classification Sherloc (09022015). Collection method: clinical testing. Allele origin: germline.
Comment: This sequence change replaces valine, which is neutral and non-polar, with isoleucine, which is neutral and non-polar, at codon 1757 of the SCN8A protein (p.Val1757Ile). This variant is not present in population databases (gnomAD no frequency). This variant has not been reported in the literature in individuals affected with SCN8A-related conditions. ClinVar contains an entry for this variant (Variation ID: 461346). Advanced modeling of protein sequence and biophysical properties (such as structural, functional, and spatial information, amino acid conservation, physicochemical variation, residue mobility, and thermodynamic stability) has been performed at Invitae for this missense variant, however the output from this modeling did not meet the statistical confidence thresholds required to predict the impact of this variant on SCN8A protein function. In summary, the available evidence is currently insufficient to determine the role of this variant in disease. Therefore, it has been classified as a Variant of Uncertain Significance.